The following is an entry in ClinVar:

NM_001387430.1(SH2B1):c.1897+36G>A

Gene: SH2B1 (SH2B adaptor protein 1; plus strand). Cytogenetic location: 16p11.2.
Variant type: single nucleotide variant.
Coding change: c.1897+36G>A on transcript NM_001387430.1 (MANE Select); 36 bases into the intron after coding-DNA position 1897, G replaced by A.
Molecular consequence: intron variant. On other transcripts: missense variant (1).
Genome position (GRCh38, 1-based): chr16:28,872,741, G>A. VCF-style: chr16-28872741-G-A. GRCh37 (hg19) VCF-style: chr16-28884062-G-A.
Other names: c.1933G>A, p.Val645Met (NM_001145797.2); c.1897+36G>A (NM_001308293.2, NM_001387404.1, NM_015503.3 and 3 more transcripts); c.889+36G>A (NM_001308294.2); short protein forms V645M.
Identifiers: ClinVar variation 2632834 (VCV002632834.3), dbSNP rs376805089, ClinGen allele CA7986318.

ClinVar aggregate classification (germline): Uncertain significance (0 of 4 stars; one submission).

Conditions:
SH2B1-related disorder. Also called: SH2B1-related condition.

Allele frequency attached by ClinVar (database versions not stated): gnomAD exomes 0.00004; TOPMed 0.00005; gnomAD 0.00010; ExAC 0.00011; ESP Exome Variant Server 0.00015; 1000 Genomes Project 30x 0.00016; 1000 Genomes Project 0.00020.
gnomAD v4.1: 77 of 1,611,446 alleles (0.0048%); highest among the groups gnomAD compares: Admixed American, 0.015%; no homozygotes.

Submission:

PreventionGenetics, part of Exact Sciences
Classification: Uncertain significance for SH2B1-related condition. Last evaluated: 2023-11-27. Review status: no assertion criteria provided. Collection method: clinical testing. Allele origin: germline.
Comment: The SH2B1 c.1933G>A variant is predicted to result in the amino acid substitution p.Val645Met. To our knowledge, this variant has not been reported in the literature. This variant is reported in 0.012% of alleles in individuals of Latino descent in gnomAD. At this time, the clinical significance of this variant is uncertain due to the absence of conclusive functional and genetic evidence.